The following is an entry in ClinVar:

NM_001379500.1(COL18A1):c.12-7C>A

Genes: BNAT1 (breast cancer associated ESR1 regulating natural antisense transcript 1; minus strand), COL18A1 (collagen type XVIII alpha 1 chain; plus strand). Cytogenetic location: 21q22.3.
Variant type: single nucleotide variant.
Coding change: c.12-7C>A on transcript NM_001379500.1 (MANE Select); 7 bases into the intron before coding-DNA position 12, C replaced by A.
Molecular consequence: intron variant.
Genome position (GRCh38, 1-based): chr21:45,405,372, C>A. VCF-style: chr21-45405372-C-A. GRCh37 (hg19) VCF-style: chr21-46825287-C-A.
Identifiers: ClinVar variation 1483679 (VCV001483679.4), dbSNP rs1374431615, ClinGen allele CA638233963.

ClinVar aggregate classification (germline): Uncertain significance. Review status: criteria provided, multiple submitters, no conflicts (2 of 4 stars). 2 submissions from 2 submitters: Uncertain significance (2). Last evaluated 2023-07-28.

Allele frequency attached by ClinVar (database versions not stated): gnomAD 0.00002; TOPMed 0.00002; gnomAD exomes 0.00006.
gnomAD v4.1: 64 of 1,257,012 alleles (0.0051%); highest among the groups gnomAD compares: Non-Finnish European, 0.0063%; no homozygotes.

Submissions (2):

GeneDx
Classification: Uncertain significance. Last evaluated: 2023-07-28. Review status: criteria provided, single submitter. Criteria: GeneDx Variant Classification Process June 2021. Collection method: clinical testing. Allele origin: germline. Affected: yes.
Comment: Not observed at significant frequency in large population cohorts (gnomAD); In silico analysis supports a deleterious effect on splicing; Has not been previously published as pathogenic or benign to our knowledge

Labcorp Genetics (formerly Invitae), Labcorp
Classification: Uncertain significance. Last evaluated: 2022-08-23. Review status: criteria provided, single submitter. Criteria: Invitae Variant Classification Sherloc (09022015). Collection method: clinical testing. Allele origin: germline.
Comment: This sequence change falls in intron 1 of the COL18A1 gene. It does not directly change the encoded amino acid sequence of the COL18A1 protein. This variant is not present in population databases (gnomAD no frequency). This variant has not been reported in the literature in individuals affected with COL18A1-related conditions. ClinVar contains an entry for this variant (Variation ID: 1483679). Algorithms developed to predict the effect of sequence changes on RNA splicing suggest that this variant may create or strengthen a splice site. In summary, the available evidence is currently insufficient to determine the role of this variant in disease. Therefore, it has been classified as a Variant of Uncertain Significance.